The following is an entry in ClinVar:

NM_006618.5(KDM5B):c.3819G>A (p.Gly1273=)

Gene: KDM5B (lysine demethylase 5B; minus strand). Cytogenetic location: 1q32.1.
Variant type: single nucleotide variant.
Coding change: c.3819G>A on transcript NM_006618.5 (MANE Select); coding-DNA position 3819, G replaced by A.
Protein change: p.Gly1273=; no amino-acid change (glycine 1273 retained).
Molecular consequence: synonymous variant.
Genome position (GRCh38, 1-based): chr1:202,733,491, C>T on the plus strand (G>A on the coding strand, the complement: KDM5B is on the minus strand). VCF-style: chr1-202733491-C-T. GRCh37 (hg19) VCF-style: chr1-202702619-C-T.
Other names: c.3927G>A, p.Gly1309= (NM_001314042.2); c.3684G>A, p.Gly1228= (NM_001347591.2); c.3804G>A, p.Gly1268= (NM_001399817.1).
Identifiers: ClinVar variation 709032 (VCV000709032.29), dbSNP rs182757951, ClinGen allele CA1334111.

ClinVar aggregate classification (germline): Benign/Likely benign. Review status: criteria provided, multiple submitters, no conflicts (2 of 4 stars). 2 submissions from 2 submitters: Benign (1); Likely benign (1). Last evaluated 2026-09-01.

Allele frequency attached by ClinVar (database versions not stated): gnomAD 0.00057 and 0.00084; gnomAD exomes 0.00077 and 0.00195; TOPMed 0.00085; ExAC 0.00209; 1000 Genomes Project 30x 0.00297; 1000 Genomes Project 0.00319.
gnomAD v4.1: 1,272 of 1,614,162 alleles (0.079%); highest among the groups gnomAD compares: East Asian, 1.2%; 8 homozygotes.

Submissions (2):

CeGaT Center for Human Genetics Tuebingen
Classification: Likely benign. Last evaluated: 2026-09-01. Review status: criteria provided, single submitter. Criteria: CeGaT Center For Human Genetics Tuebingen Variant Classification Criteria Version 2. Collection method: clinical testing. Allele origin: germline. Affected: yes. Observed: 8 variant alleles.
Comment: KDM5B: BP4, BS1

Labcorp Genetics (formerly Invitae), Labcorp
Classification: Benign. Last evaluated: 2019-12-31. Review status: criteria provided, single submitter. Criteria: Invitae Variant Classification Sherloc (09022015). Collection method: clinical testing. Allele origin: germline.